The following is an entry in ClinVar:

ClinVar aggregate classification (germline): Uncertain significance. Review status: criteria provided, multiple submitters, no conflicts (2 of 4 stars). 3 submissions from 3 submitters: Uncertain significance (3). Last evaluated 2025-04-08.

Conditions:
Multiple endocrine neoplasia, type 1 (MEN1). Also called: MEN I; WERMER SYNDROME; MEA I; Endocrine adenomatosis multiple; MEN 1. Identifiers: Orphanet 652, MedGen C0025267, MeSH D018761, MONDO:0007540, OMIM 131100.
Hereditary cancer-predisposing syndrome. Also called: Hereditary neoplastic syndrome; Tumor predisposition; Neoplastic Syndromes, Hereditary; Hereditary Cancer Syndrome. Identifiers: Orphanet 140162, MedGen C0027672, MeSH D009386, MONDO:0015356.

Submissions (3):

ARUP Laboratories, Molecular Genetics and Genomics, ARUP Laboratories
Classification: Uncertain significance. Last evaluated: 2025-04-08. Review status: criteria provided, single submitter. Criteria: ARUP Molecular Germline Variant Investigation Process 2024. Collection method: clinical testing. Allele origin: germline.
Comment: The MEN1 c.1456G>A; p.Glu486Lys variant, to our knowledge, is not reported in the medical literature but is reported in ClinVar (Variation ID: 2450239). This variant is absent from the Genome Aggregation Database (v2.1.1), indicating it is not a common polymorphism. Computational analyses predict that this variant is deleterious (REVEL: 0.726). Due to limited information, the clinical significance of this variant is uncertain at this time.

Labcorp Genetics (formerly Invitae), Labcorp
Classification: Uncertain significance for Multiple endocrine neoplasia, type 1. Last evaluated: 2024-03-30. Review status: criteria provided, single submitter. Criteria: Invitae Variant Classification Sherloc (09022015). Collection method: clinical testing. Allele origin: germline.
Comment: This sequence change replaces glutamic acid, which is acidic and polar, with lysine, which is basic and polar, at codon 486 of the MEN1 protein (p.Glu486Lys). This variant is not present in population databases (gnomAD no frequency). This variant has not been reported in the literature in individuals affected with MEN1-related conditions. ClinVar contains an entry for this variant (Variation ID: 2450239). Advanced modeling of protein sequence and biophysical properties (such as structural, functional, and spatial information, amino acid conservation, physicochemical variation, residue mobility, and thermodynamic stability) performed at Invitae indicates that this missense variant is expected to disrupt MEN1 protein function with a positive predictive value of 95%. In summary, the available evidence is currently insufficient to determine the role of this variant in disease. Therefore, it has been classified as a Variant of Uncertain Significance.

Ambry Genetics
Classification: Uncertain significance for Hereditary cancer-predisposing syndrome. Last evaluated: 2023-02-12. Review status: criteria provided, single submitter. Criteria: Ambry Variant Classification Scheme 2023. Collection method: clinical testing. Allele origin: germline.
Comment: The p.E486K variant (also known as c.1456G>A), located in coding exon 9 of the MEN1 gene, results from a G to A substitution at nucleotide position 1456. The glutamic acid at codon 486 is replaced by lysine, an amino acid with similar properties. This amino acid position is conserved. In addition, the in silico prediction for this alteration is inconclusive. Since supporting evidence is limited at this time, the clinical significance of this alteration remains unclear.

NM_001370259.2(MEN1):c.1456G>A (p.Glu486Lys)

Gene: MEN1 (menin 1; minus strand). Cytogenetic location: 11q13.1.
Variant type: single nucleotide variant.
Coding change: c.1456G>A on transcript NM_001370259.2 (MANE Select); coding-DNA position 1456, G replaced by A.
Protein change: p.Glu486Lys; replaces glutamic acid 486 with lysine.
Molecular consequence: missense variant. On other transcripts: non-coding transcript variant (4).
Genome position (GRCh38, 1-based): chr11:64,804,711, C>T on the plus strand (G>A on the coding strand, the complement: MEN1 is on the minus strand). VCF-style: chr11-64804711-C-T. GRCh37 (hg19) VCF-style: chr11-64572183-C-T.
Other names: c.1471G>A, p.Glu491Lys (NM_000244.4, NM_130800.3, NM_130801.3 and 4 more transcripts); c.1582G>A, p.Glu528Lys (NM_001370251.2, NM_001407142.1, NM_001407143.1 and 1 more transcripts); c.1456G>A, p.Glu486Lys (NM_001370260.2, NM_001370261.2, NM_130799.3 and 2 more transcripts); c.1351G>A, p.Glu451Lys (NM_001370262.2, NM_001370263.2, NM_001407148.1 and 1 more transcripts); c.1477G>A, p.Glu493Lys (NM_001407151.1); c.1291G>A, p.Glu431Lys (NM_001407152.1); c.1597G>A, p.Glu533Lys (NM_001407150.1); short protein forms E491K, E528K, E431K, E533K, E451K, E493K, E486K.
Identifiers: ClinVar variation 2450239 (VCV002450239.6), dbSNP rs2136089217, ClinGen allele CA381179226.